The following is an entry in ClinVar:

ClinVar aggregate classification (germline): Uncertain significance. Review status: criteria provided, multiple submitters, no conflicts (2 of 4 stars). 3 submissions from 3 submitters: Uncertain significance (3). Last evaluated 2023-05-15.

Conditions:
Hereditary cancer-predisposing syndrome. Also called: Hereditary Cancer Syndrome; Hereditary neoplastic syndrome; Neoplastic Syndromes, Hereditary; Tumor predisposition. Identifiers: Orphanet 140162, MedGen C0027672, MeSH D009386, MONDO:0015356.
Pheochromocytoma. Also called: MAX-Related Hereditary Paraganglioma-Pheochromocytoma Syndrome. Identifiers: Orphanet 29072, MedGen C0031511, MONDO:0008233, OMIM 171300, HP:0002666.
Carney-Stratakis syndrome. Also called: PARAGANGLIOMA AND GASTROINTESTINAL STROMAL TUMOR. Identifiers: Orphanet 97286, MedGen C1847319, MONDO:0011740, OMIM 606864.
Cowden syndrome 3 (CWS3). Identifiers: Orphanet 201, MedGen CN166604, MONDO:0014045.
Paragangliomas with sensorineural hearing loss. Identifiers: MedGen C1868633.

Submissions (3):

Labcorp Genetics (formerly Invitae), Labcorp
Classification: Uncertain significance for Carney-Stratakis syndrome; Paragangliomas with sensorineural hearing loss; Pheochromocytoma; Cowden syndrome 3. Last evaluated: 2023-05-15. Review status: criteria provided, single submitter. Criteria: Invitae Variant Classification Sherloc (09022015). Collection method: clinical testing. Allele origin: germline.
Comment: In summary, the available evidence is currently insufficient to determine the role of this variant in disease. Therefore, it has been classified as a Variant of Uncertain Significance. Advanced modeling of protein sequence and biophysical properties (such as structural, functional, and spatial information, amino acid conservation, physicochemical variation, residue mobility, and thermodynamic stability) has been performed at Invitae for this missense variant, however the output from this modeling did not meet the statistical confidence thresholds required to predict the impact of this variant on SDHD protein function. ClinVar contains an entry for this variant (Variation ID: 1771773). This variant has not been reported in the literature in individuals affected with SDHD-related conditions. This variant is not present in population databases (gnomAD no frequency). This sequence change replaces tryptophan, which is neutral and slightly polar, with arginine, which is basic and polar, at codon 5 of the SDHD protein (p.Trp5Arg).

GeneDx
Classification: Uncertain significance. Last evaluated: 2022-07-07. Review status: criteria provided, single submitter. Criteria: GeneDx Variant Classification Process June 2021. Collection method: clinical testing. Allele origin: germline. Affected: yes.
Comment: Not observed at significant frequency in large population cohorts (gnomAD); In silico analysis supports that this missense variant has a deleterious effect on protein structure/function; Has not been previously published as pathogenic or benign to our knowledge

Ambry Genetics
Classification: Uncertain significance for Hereditary cancer-predisposing syndrome. Last evaluated: 2020-09-18. Review status: criteria provided, single submitter. Criteria: Ambry Variant Classification Scheme 2023. Collection method: clinical testing. Allele origin: germline.
Comment: The p.W5R variant (also known as c.13T>A), located in coding exon 1 of the SDHD gene, results from a T to A substitution at nucleotide position 13. The tryptophan at codon 5 is replaced by arginine, an amino acid with dissimilar properties. This amino acid position is not well conserved in available vertebrate species. In addition, the in silico prediction for this alteration is inconclusive. Since supporting evidence is limited at this time, the clinical significance of this alteration remains unclear.

NM_003002.4(SDHD):c.13T>A (p.Trp5Arg)

Genes: SDHD (succinate dehydrogenase complex subunit D; plus strand), LOC126861339 (BRD4-independent group 4 enhancer GRCh37_chr11:111957035-111958234; plus strand). Cytogenetic location: 11q23.1.
Variant type: single nucleotide variant.
Coding change: c.13T>A on transcript NM_003002.4 (MANE Select); coding-DNA position 13, T replaced by A.
Protein change: p.Trp5Arg; replaces tryptophan 5 with arginine.
Molecular consequence: missense variant. On other transcripts: non-coding transcript variant (1).
Genome position (GRCh38, 1-based): chr11:112,086,920, T>A. VCF-style: chr11-112086920-T-A. GRCh37 (hg19) VCF-style: chr11-111957644-T-A.
Other names: c.13T>A, p.Trp5Arg (NM_001276503.2, NM_001276504.2, NM_001276506.2); short protein forms W5R.
Identifiers: ClinVar variation 1771773 (VCV001771773.6), dbSNP rs778202647, ClinGen allele CA382616643.